The following is an entry in ClinVar:

ClinVar aggregate classification (germline): Conflicting classifications of pathogenicity. Review status: criteria provided, conflicting classifications (1 of 4 stars). 3 submissions from 3 submitters: Pathogenic (1); Uncertain significance (2). Last evaluated 2024-11-09.

Conditions:
Cardiomyopathy (CMYO). Also called: Cardiomyopathies. Identifiers: Orphanet 167848, MedGen C0878544, MONDO:0004994, HP:0001638. Inheritance: Various modes of inheritance.
Hypertrophic cardiomyopathy. Also called: HYPERTROPHIC MYOCARDIOPATHY. Identifiers: Orphanet 217569, MedGen C0007194, MeSH D002312, MONDO:0005045, HP:0001639.
Hypertrophic cardiomyopathy 10. Also called: CARDIOMYOPATHY, HYPERTROPHIC, MID-LEFT VENTRICULAR CHAMBER TYPE, 2; MYL2-Related Familial Hypertrophic Cardiomyopathy. Identifiers: MedGen C1834460, MONDO:0012112, OMIM 608758.

Submissions (3):

Labcorp Genetics (formerly Invitae), Labcorp
Classification: Pathogenic for Hypertrophic cardiomyopathy 10. Last evaluated: 2024-11-09. Review status: criteria provided, single submitter. Criteria: Invitae Variant Classification Sherloc (09022015). Collection method: clinical testing. Allele origin: germline.
Comment: This sequence change affects an acceptor splice site in intron 6 of the MYL2 gene. RNA analysis indicates that disruption of this splice site induces altered splicing and likely disrupts the C-terminus of the protein. This variant is present in population databases (no rsID available, gnomAD 0.0009%). Disruption of this splice site has been observed in individuals with autosomal recessive MYL2-related conditions (PMID: 11748309, 23365102). It has also been observed to segregate with disease in related individuals. ClinVar contains an entry for this variant (Variation ID: 2148683). Studies have shown that disruption of this splice site results in activation of a cryptic splice site 23 nucleotides upstream of the original splice site and introduces a new termination codon (PMID: 23365102). However the mRNA is not expected to undergo nonsense-mediated decay. For these reasons, this variant has been classified as Pathogenic.

All of Us Research Program, National Institutes of Health
Classification: Uncertain significance for Hypertrophic cardiomyopathy. Last evaluated: 2023-10-23. Review status: criteria provided, single submitter. Criteria: ACMG Guidelines, 2015. Collection method: clinical testing. Allele origin: germline. Inheritance: Autosomal dominant inheritance. Observed: 1 variant allele, 1 heterozygote.
Comment: This variant causes a G to A nucleotide substitution at the -1 position of intron 6 of the MYL2 gene. Splice site prediction tools suggest that this variant may have a significant impact on RNA splicing. To our knowledge, functional studies have not been reported for this variant. This variant has not been reported in individuals affected with MYL2-related disorders in the literature. This variant has been identified in 1/248224 chromosomes in the general population by the Genome Aggregation Database (gnomAD). Clinical relevance of loss-of-function MYL2 splice and truncation variants in autosomal dominant cardiovascular disorders is not clearly established. The available evidence is insufficient to determine the role of this variant in disease conclusively. Therefore, this variant is classified as a Variant of Uncertain Significance.

This study involves interpretation of variants in research participants for the purpose of population health screening. Participant phenotype was not available at the time of variant classification. Additional details can be found in publication PMID: 35346344, PMCID: PMC8962531

Color Diagnostics, LLC DBA Color Health
Classification: Uncertain significance for Cardiomyopathy. Last evaluated: 2023-09-15. Review status: criteria provided, single submitter. Criteria: ACMG Guidelines, 2015. Collection method: clinical testing. Allele origin: germline.
Comment: This variant causes a G to A nucleotide substitution at the -1 position of intron 6 of the MYL2 gene. Splice site prediction tools suggest that this variant may have a significant impact on RNA splicing. To our knowledge, functional studies have not been reported for this variant. This variant has not been reported in individuals affected with MYL2-related disorders in the literature. This variant has been identified in 1/248224 chromosomes in the general population by the Genome Aggregation Database (gnomAD). Clinical relevance of loss-of-function MYL2 splice and truncation variants in autosomal dominant cardiovascular disorders is not clearly established. The available evidence is insufficient to determine the role of this variant in disease conclusively. Therefore, this variant is classified as a Variant of Uncertain Significance.

Literature cited by the submitters: PubMed 11748309 (cited by Labcorp Genetics (formerly Invitae), Labcorp); PubMed 23365102 (cited by Labcorp Genetics (formerly Invitae), Labcorp).

NM_000432.4(MYL2):c.403-1G>A

Gene: MYL2 (myosin light chain 2; minus strand). Cytogenetic location: 12q24.11.
Variant type: single nucleotide variant.
Coding change: c.403-1G>A on transcript NM_000432.4 (MANE Select); the canonical splice acceptor site of the intron before coding-DNA position 403, G replaced by A.
Molecular consequence: splice acceptor variant.
Genome position (GRCh38, 1-based): chr12:110,911,176, C>T on the plus strand (G>A on the coding strand, the complement: MYL2 is on the minus strand). VCF-style: chr12-110911176-C-T. GRCh37 (hg19) VCF-style: chr12-111348980-C-T.
Other names: c.346-1G>A (NM_001406916.1); c.361-1G>A (NM_001406745.1).
Identifiers: ClinVar variation 2148683 (VCV002148683.5), dbSNP rs199474813, ClinGen allele CA386697089.